The following is an entry in ClinVar:

ClinVar aggregate classification (germline): Uncertain significance (1 of 4 stars; one submission).

gnomAD v4.1: 1 of 1,614,214 alleles (0.000062%); highest among the groups gnomAD compares: Non-Finnish European, 0.000085%; no homozygotes.

Submission:

Labcorp Genetics (formerly Invitae), Labcorp
Classification: Uncertain significance. Last evaluated: 2025-12-24. Review status: criteria provided, single submitter. Criteria: Invitae Variant Classification Sherloc (09022015). Collection method: clinical testing. Allele origin: germline.
Comment: This sequence change replaces glutamic acid, which is acidic and polar, with lysine, which is basic and polar, at codon 1128 of the NLRP1 protein (p.Glu1128Lys). This variant is not present in population databases (gnomAD no frequency). This variant has not been reported in the literature in individuals affected with NLRP1-related conditions. An algorithm developed to predict the effect of missense changes on protein structure and function outputs the following: PolyPhen-2: "Probably Damaging". The lysine amino acid residue is found in multiple mammalian species, which suggests that this missense change does not adversely affect protein function. In summary, the available evidence is currently insufficient to determine the role of this variant in disease. Therefore, it has been classified as a Variant of Uncertain Significance.

NM_033004.4(NLRP1):c.3382G>A (p.Glu1128Lys)

Gene: NLRP1 (NLR family pyrin domain containing 1; minus strand). Cytogenetic location: 17p13.2.
Variant type: single nucleotide variant.
Coding change: c.3382G>A on transcript NM_033004.4 (MANE Select); coding-DNA position 3382, G replaced by A.
Protein change: p.Glu1128Lys; replaces glutamic acid 1128 with lysine.
Molecular consequence: missense variant.
Genome position (GRCh38, 1-based): chr17:5,530,619, C>T on the plus strand (G>A on the coding strand, the complement: NLRP1 is on the minus strand). VCF-style: chr17-5530619-C-T. GRCh37 (hg19) VCF-style: chr17-5433939-C-T.
Other names: c.3394G>A, p.Glu1132Lys (NM_001033053.3); c.3382G>A, p.Glu1128Lys (NM_014922.5); c.3292G>A, p.Glu1098Lys (NM_033006.4, NM_033007.4); short protein forms E1098K, E1128K, E1132K.
Identifiers: ClinVar variation 4729176 (VCV004729176.1).